The following is an entry in ClinVar:

ClinVar aggregate classification (germline): Uncertain significance (1 of 4 stars; one submission).

gnomAD v4.1: 1 of 1,612,752 alleles (0.000062%); no homozygotes.

Submission:

Labcorp Genetics (formerly Invitae), Labcorp
Classification: Uncertain significance. Last evaluated: 2022-02-18. Review status: criteria provided, single submitter. Criteria: Invitae Variant Classification Sherloc (09022015). Collection method: clinical testing. Allele origin: germline.
Comment: This sequence change replaces leucine, which is neutral and non-polar, with valine, which is neutral and non-polar, at codon 1912 of the NOTCH3 protein (p.Leu1912Val). In summary, the available evidence is currently insufficient to determine the role of this variant in disease. Therefore, it has been classified as a Variant of Uncertain Significance. Advanced modeling of protein sequence and biophysical properties (such as structural, functional, and spatial information, amino acid conservation, physicochemical variation, residue mobility, and thermodynamic stability) performed at Invitae indicates that this missense variant is not expected to disrupt NOTCH3 protein function. This variant has not been reported in the literature in individuals affected with NOTCH3-related conditions. This variant is not present in population databases (gnomAD no frequency).

NM_000435.3(NOTCH3):c.5734C>G (p.Leu1912Val)

Gene: NOTCH3 (notch receptor 3; minus strand). Cytogenetic location: 19p13.12.
Variant type: single nucleotide variant.
Coding change: c.5734C>G on transcript NM_000435.3 (MANE Select); coding-DNA position 5734, C replaced by G.
Protein change: p.Leu1912Val; replaces leucine 1912 with valine.
Molecular consequence: missense variant.
Genome position (GRCh38, 1-based): chr19:15,165,449, G>C on the plus strand (C>G on the coding strand, the complement: NOTCH3 is on the minus strand). VCF-style: chr19-15165449-G-C. GRCh37 (hg19) VCF-style: chr19-15276260-G-C.
Other names: short protein forms L1912V.
Identifiers: ClinVar variation 2098997 (VCV002098997.4), dbSNP rs1453838221, ClinGen allele CA404493610.